The following is an entry in ClinVar:

NM_001330311.2(DVL1):c.374C>T (p.Ala125Val)

Gene: DVL1 (dishevelled segment polarity protein 1; minus strand). Cytogenetic location: 1p36.33.
Variant type: single nucleotide variant.
Coding change: c.374C>T on transcript NM_001330311.2 (MANE Select); coding-DNA position 374, C replaced by T.
Protein change: p.Ala125Val; replaces alanine 125 with valine.
Molecular consequence: missense variant.
Genome position (GRCh38, 1-based): chr1:1,342,145, G>A on the plus strand (C>T on the coding strand, the complement: DVL1 is on the minus strand). VCF-style: chr1-1342145-G-A. GRCh37 (hg19) VCF-style: chr1-1277525-G-A.
Other names: c.374C>T (NM_004421.2); c.374C>T, p.Ala125Val (NM_004421.3); short protein forms A125V.
Identifiers: ClinVar variation 3009267 (VCV003009267.4), dbSNP rs774145926, ClinGen allele CA520712.

ClinVar aggregate classification (germline): Uncertain significance. Review status: criteria provided, multiple submitters, no conflicts (2 of 4 stars). 2 submissions from 2 submitters: Uncertain significance (2). Last evaluated 2025-04-10.

Conditions:
Inborn genetic diseases. Identifiers: MedGen C0950123, MeSH D030342.

Allele frequency attached by ClinVar (database versions not stated): gnomAD exomes below 0.00001; TOPMed below 0.00001; gnomAD 0.00001; ExAC 0.00003.
gnomAD v4.1: 5 of 1,570,844 alleles (0.00032%); highest among the groups gnomAD compares: Non-Finnish European, 0.00043%; no homozygotes.

Submissions (2):

Ambry Genetics
Classification: Uncertain significance for Inborn genetic diseases. Last evaluated: 2025-04-10. Review status: criteria provided, single submitter. Criteria: Ambry Variant Classification Scheme 2023. Collection method: clinical testing. Allele origin: germline.

Labcorp Genetics (formerly Invitae), Labcorp
Classification: Uncertain significance. Last evaluated: 2022-11-19. Review status: criteria provided, single submitter. Criteria: Invitae Variant Classification Sherloc (09022015). Collection method: clinical testing. Allele origin: germline.
Comment: In summary, the available evidence is currently insufficient to determine the role of this variant in disease. Therefore, it has been classified as a Variant of Uncertain Significance. Advanced modeling of protein sequence and biophysical properties (such as structural, functional, and spatial information, amino acid conservation, physicochemical variation, residue mobility, and thermodynamic stability) performed at Invitae indicates that this missense variant is not expected to disrupt DVL1 protein function. This variant has not been reported in the literature in individuals affected with DVL1-related conditions. The frequency data for this variant in the population databases is considered unreliable, as metrics indicate poor data quality at this position in the gnomAD database. This sequence change replaces alanine, which is neutral and non-polar, with valine, which is neutral and non-polar, at codon 125 of the DVL1 protein (p.Ala125Val).